The following is an entry in ClinVar:

NM_004859.4(CLTC):c.3032T>C (p.Ile1011Thr)

Gene: CLTC (clathrin heavy chain; plus strand). Cytogenetic location: 17q23.1.
Variant type: single nucleotide variant.
Coding change: c.3032T>C on transcript NM_004859.4 (MANE Select); coding-DNA position 3032, T replaced by C.
Protein change: p.Ile1011Thr; replaces isoleucine 1011 with threonine.
Molecular consequence: missense variant.
Genome position (GRCh38, 1-based): chr17:59,681,024, T>C. VCF-style: chr17-59681024-T-C. GRCh37 (hg19) VCF-style: chr17-57758385-T-C.
Other names: c.3044T>C, p.Ile1015Thr (NM_001288653.2); short protein forms I1011T, I1015T.
Identifiers: ClinVar variation 4891166 (VCV004891166.1).

ClinVar aggregate classification (germline): Uncertain significance (1 of 4 stars; one submission).

Submission:

Greenwood Genetic Center Diagnostic Laboratories, Greenwood Genetic Center
Classification: Uncertain significance. Last evaluated: 2026-06-22. Review status: criteria provided, single submitter. Criteria: ACMG Guidelines, 2015. Collection method: clinical testing. Allele origin: germline.
Comment: PM2, PP2, PP3